The following is an entry in ClinVar:

NM_005609.4(PYGM):c.1969+1G>C

Gene: PYGM (glycogen phosphorylase, muscle associated; minus strand). Cytogenetic location: 11q13.1.
Variant type: single nucleotide variant.
Coding change: c.1969+1G>C on transcript NM_005609.4 (MANE Select); the canonical splice donor site of the intron after coding-DNA position 1969, G replaced by C.
Molecular consequence: splice donor variant.
Genome position (GRCh38, 1-based): chr11:64,751,324, C>G on the plus strand (G>C on the coding strand, the complement: PYGM is on the minus strand). VCF-style: chr11-64751324-C-G. GRCh37 (hg19) VCF-style: chr11-64518796-C-G.
Other names: c.1705+1G>C (NM_001164716.1); c.1969+1G>C (NM_005609.3).
Identifiers: ClinVar variation 2678131 (VCV002678131.2), dbSNP rs753181427, ClinGen allele CA6079666.

ClinVar aggregate classification (germline): Likely pathogenic. Review status: criteria provided, multiple submitters, no conflicts (2 of 4 stars). 2 submissions from 2 submitters: Likely pathogenic (2). Last evaluated 2024-07-05.

Conditions:
Glycogen storage disease, type V (GSD5). Also called: McArdle type glycogen storage disease; MCARDLE DISEASE; MUSCLE GLYCOGEN PHOSPHORYLASE DEFICIENCY; MYOPHOSPHORYLASE DEFICIENCY; PYGM DEFICIENCY. Identifiers: Orphanet 368, MedGen C0017924, MONDO:0009293, OMIM 232600.

Allele frequency attached by ClinVar (database versions not stated): ExAC 0.00001.
gnomAD v4.1: 1 of 1,614,192 alleles (0.000062%); highest among the groups gnomAD compares: East Asian, 0.0022%; no homozygotes.

Submissions (2):

Natera, Inc.
Classification: Likely pathogenic for Glycogen storage disease V. Last evaluated: 2024-07-05. Review status: criteria provided, single submitter. Criteria: Natera Variant Classification Schema (03/2026). Collection method: clinical testing. Allele origin: germline.
Comment: The c.1969+1G>C variant in PYGM is a canonical splice donor site variant predicted to affect pre-mRNA splicing, which may result in an abnormal transcript and altered protein product. This variant is expected to result in nonsense mediated decay, truncation, or a dysfunctional protein product. This variant is rare in the general population with a frequency below the threshold expected for the associated phenotype(s). Given the available evidence, this variant is classified as Likely Pathogenic.

Baylor Genetics
Classification: Likely pathogenic for Glycogen storage disease, type V. Last evaluated: 2023-04-27. Review status: criteria provided, single submitter. Criteria: ACMG Guidelines, 2015. Collection method: clinical testing. Allele origin: unknown.